The following is an entry in ClinVar:

NM_000051.4(ATM):c.8473C>A (p.Gln2825Lys)

Genes: ATM (ATM serine/threonine kinase; plus strand), C11orf65 (chromosome 11 open reading frame 65; minus strand). Cytogenetic location: 11q22.3.
Variant type: single nucleotide variant.
Coding change: c.8473C>A on transcript NM_000051.4 (MANE Select); coding-DNA position 8473, C replaced by A.
Protein change: p.Gln2825Lys; replaces glutamine 2825 with lysine.
Molecular consequence: missense variant. On other transcripts: intron variant (2).
Genome position (GRCh38, 1-based): chr11:108,345,797, C>A. VCF-style: chr11-108345797-C-A. GRCh37 (hg19) VCF-style: chr11-108216524-C-A.
Other names: c.695-10505G>T (NM_001351110.2); c.8473C>A, p.Gln2825Lys (NM_001351834.2); c.641-36726G>T (NM_001330368.2); short protein forms Q2825K.
Identifiers: ClinVar variation 3657019 (VCV003657019.2).

ClinVar aggregate classification (germline): Uncertain significance (1 of 4 stars; one submission).

Conditions:
Ataxia-telangiectasia syndrome (AT). Also called: Ataxia-telangiectasia, complementation group D; AT, COMPLEMENTATION GROUP C; ATAXIA-TELANGIECTASIA, COMPLEMENTATION GROUP A; ATAXIA-TELANGIECTASIA, FRESNO VARIANT; Ataxia-telangiectasia; Ataxia-telangiectasia, complementation group E. Identifiers: Orphanet 100, MedGen C0004135, MONDO:0008840, OMIM 208900.

Submission:

Labcorp Genetics (formerly Invitae), Labcorp
Classification: Uncertain significance for Ataxia-telangiectasia syndrome. Last evaluated: 2024-06-19. Review status: criteria provided, single submitter. Criteria: Invitae Variant Classification Sherloc (09022015). Collection method: clinical testing. Allele origin: germline.
Comment: This sequence change replaces glutamine, which is neutral and polar, with lysine, which is basic and polar, at codon 2825 of the ATM protein (p.Gln2825Lys). This variant is not present in population databases (gnomAD no frequency). This variant has not been reported in the literature in individuals affected with ATM-related conditions. Algorithms developed to predict the effect of missense changes on protein structure and function output the following: SIFT: "Not Available"; PolyPhen-2: "Benign"; Align-GVGD: "Not Available". The lysine amino acid residue is found in multiple mammalian species, which suggests that this missense change does not adversely affect protein function. In summary, the available evidence is currently insufficient to determine the role of this variant in disease. Therefore, it has been classified as a Variant of Uncertain Significance.